The following is an entry in ClinVar:

ClinVar aggregate classification (germline): Uncertain significance (1 of 4 stars; one submission).

Conditions:
Neurofibromatosis, type 1 (NF1). Also called: NEUROFIBROMATOSIS, TYPE I, SOMATIC; VON RECKLINGHAUSEN DISEASE; Neurofibromatosis, type I; Peripheral type neurofibromatosis. Identifiers: Orphanet 636, MedGen C0027831, MONDO:0018975, OMIM 162200. Disease mechanism: loss of function.

Submission:

Labcorp Genetics (formerly Invitae), Labcorp
Classification: Uncertain significance for Neurofibromatosis, type 1. Last evaluated: 2021-06-01. Review status: criteria provided, single submitter. Criteria: Invitae Variant Classification Sherloc (09022015). Collection method: clinical testing. Allele origin: germline.
Comment: Algorithms developed to predict the effect of missense changes on protein structure and function are either unavailable or do not agree on the potential impact of this missense change (SIFT: "Tolerated"; PolyPhen-2: "Probably Damaging"; Align-GVGD: "Class C0"). This sequence change replaces phenylalanine with isoleucine at codon 2215 of the NF1 protein (p.Phe2215Ile). The phenylalanine residue is moderately conserved and there is a small physicochemical difference between phenylalanine and isoleucine. This variant is not present in population databases (ExAC no frequency). This variant has not been reported in the literature in individuals with NF1-related conditions. In summary, the available evidence is currently insufficient to determine the role of this variant in disease. Therefore, it has been classified as a Variant of Uncertain Significance.

NM_001042492.3(NF1):c.6706T>A (p.Phe2236Ile)

Gene: NF1 (neurofibromin 1; plus strand). Cytogenetic location: 17q11.2.
Variant type: single nucleotide variant.
Coding change: c.6706T>A on transcript NM_001042492.3 (MANE Select); coding-DNA position 6706, T replaced by A.
Protein change: p.Phe2236Ile; replaces phenylalanine 2236 with isoleucine.
Molecular consequence: missense variant.
Genome position (GRCh38, 1-based): chr17:31,338,026, T>A. VCF-style: chr17-31338026-T-A. GRCh37 (hg19) VCF-style: chr17-29665044-T-A.
Other names: c.6643T>A, p.Phe2215Ile (NM_000267.4); short protein forms F2236I, F2215I.
Identifiers: ClinVar variation 1358140 (VCV001358140.8), dbSNP rs2151558031, ClinGen allele CA399013976.